The following is an entry in ClinVar:

NM_006767.4(LZTR1):c.2480A>G (p.His827Arg)

Gene: LZTR1 (leucine zipper like post translational regulator 1; plus strand). Cytogenetic location: 22q11.21.
Variant type: single nucleotide variant.
Coding change: c.2480A>G on transcript NM_006767.4 (MANE Select); coding-DNA position 2480, A replaced by G.
Protein change: p.His827Arg; replaces histidine 827 with arginine.
Molecular consequence: missense variant.
Genome position (GRCh38, 1-based): chr22:20,997,305, A>G. VCF-style: chr22-20997305-A-G. GRCh37 (hg19) VCF-style: chr22-21351594-A-G.
Other names: c.2480A>G (NM_006767.3); short protein forms H827R.
Identifiers: ClinVar variation 1379700 (VCV001379700.9), dbSNP rs1301431226, ClinGen allele CA410781805.
Genomic context (GRCh38, chr22:20,997,305, plus strand): 5'-CCACCCTGCGGTCGCTGAGCCAGCAGCTGCTGCTGGACATCATAGACTCCCTGGCCTCCC[A>G]CATCTCAGACAAGCAGTGCGCAGAGCTGGGCGCCGACATCTGAGGCCCTGTGGCGCCTGC-3'
Protein context (NP_006758.2, residues 817-837): LLDIIDSLAS[His827Arg]ISDKQCAELG

ClinVar aggregate classification (germline): Uncertain significance. Review status: criteria provided, multiple submitters, no conflicts (2 of 4 stars). 2 submissions from 2 submitters: Uncertain significance (2). Last evaluated 2026-01-28.

Conditions:
Hereditary cancer-predisposing syndrome. Also called: Neoplastic Syndromes, Hereditary; Hereditary Cancer Syndrome; Tumor predisposition; Hereditary neoplastic syndrome. Identifiers: Orphanet 140162, MedGen C0027672, MeSH D009386, MONDO:0015356.
Cardiovascular phenotype. Identifiers: MedGen CN230736.

Allele frequency attached by ClinVar (database versions not stated): TOPMed 0.00002.

Submissions (2):

Labcorp Genetics (formerly Invitae), Labcorp
Classification: Uncertain significance. Last evaluated: 2026-01-28. Review status: criteria provided, single submitter. Criteria: Invitae Variant Classification Sherloc (09022015). Collection method: clinical testing. Allele origin: germline.
Comment: This sequence change replaces histidine, which is basic and polar, with arginine, which is basic and polar, at codon 827 of the LZTR1 protein (p.His827Arg). This variant is not present in population databases (gnomAD no frequency). This variant has not been reported in the literature in individuals affected with LZTR1-related conditions. ClinVar contains an entry for this variant (Variation ID: 1379700). Invitae Evidence Modeling of protein sequence and biophysical properties (such as structural, functional, and spatial information, amino acid conservation, physicochemical variation, residue mobility, and thermodynamic stability) indicates that this missense variant is not expected to disrupt LZTR1 protein function with a negative predictive value of 80%. In summary, the available evidence is currently insufficient to determine the role of this variant in disease. Therefore, it has been classified as a Variant of Uncertain Significance.

Ambry Genetics
Classification: Uncertain significance for Cardiovascular phenotype; Hereditary cancer-predisposing syndrome. Last evaluated: 2025-02-06. Review status: criteria provided, single submitter. Criteria: Ambry Variant Classification Scheme 2023. Collection method: clinical testing. Allele origin: germline.
Comment: The p.H827R variant (also known as c.2480A>G), located in coding exon 21 of the LZTR1 gene, results from an A to G substitution at nucleotide position 2480. The histidine at codon 827 is replaced by arginine, an amino acid with highly similar properties. This amino acid position is conserved. In addition, the in silico prediction for this alteration is inconclusive. Since supporting evidence is limited at this time, the clinical significance of this alteration remains unclear.